The following is an entry in ClinVar:

ClinVar aggregate classification (germline): Uncertain significance (1 of 4 stars; one submission).

Conditions:
Inborn genetic diseases. Identifiers: MedGen C0950123, MeSH D030342.

Submission:

Ambry Genetics
Classification: Uncertain significance for Inborn genetic diseases. Last evaluated: 2026-07-02. Review status: criteria provided, single submitter. Criteria: Ambry Variant Classification Scheme 2023. Collection method: clinical testing. Allele origin: germline.
Comment: The p.Q289E variant (also known as c.865C>G), located in coding exon 5 of the ETV6 gene, results from a C to G substitution at nucleotide position 865. The glutamine at codon 289 is replaced by glutamic acid, an amino acid with highly similar properties. This amino acid position is conserved. In addition, this alteration is predicted to be tolerated by in silico analysis. Based on the available evidence, the clinical significance of this variant remains unclear.

NM_001987.5(ETV6):c.865C>G (p.Gln289Glu)

Gene: ETV6 (ETS variant transcription factor 6; plus strand). Cytogenetic location: 12p13.2.
Variant type: single nucleotide variant.
Coding change: c.865C>G on transcript NM_001987.5 (MANE Select); coding-DNA position 865, C replaced by G.
Protein change: p.Gln289Glu; replaces glutamine 289 with glutamic acid.
Molecular consequence: missense variant.
Genome position (GRCh38, 1-based): chr12:11,869,825, C>G. VCF-style: chr12-11869825-C-G. GRCh37 (hg19) VCF-style: chr12-12022759-C-G.
Other names: c.862C>G, p.Gln288Glu (NM_001413913.1); c.838C>G, p.Gln280Glu (NM_001413914.1); c.601C>G, p.Gln201Glu (NM_001413915.1); c.865C>G, p.Gln289Glu (NM_001413916.1, NM_001413917.1); short protein forms Q201E, Q289E, Q280E, Q288E.
Identifiers: ClinVar variation 5036160 (VCV005036160.1).
Genomic context (GRCh38, chr12:11,869,825, plus strand): 5'-ATGCCCAGCCCCATCATGCACCCTCTGATCCTGAACCCCCGGCACTCCGTGGATTTCAAA[C>G]AGTCCAGGCTCTCCGAGGACGGGCTGCATAGGGAAGGGAAGCCCATCAACCTCTCTCATC-3'
Protein context (NP_001978.1, residues 279-299): LNPRHSVDFK[Gln289Glu]SRLSEDGLHR